The following is an entry in ClinVar:

NM_001376013.1(EPB41):c.227G>A (p.Ser76Asn)

Gene: EPB41 (erythrocyte membrane protein band 4.1; plus strand). Cytogenetic location: 1p35.3.
Variant type: single nucleotide variant.
Coding change: c.227G>A on transcript NM_001376013.1 (MANE Select); coding-DNA position 227, G replaced by A.
Protein change: p.Ser76Asn; replaces serine 76 with asparagine.
Molecular consequence: missense variant. On other transcripts: 5 prime UTR variant (10).
Genome position (GRCh38, 1-based): chr1:28,987,664, G>A. VCF-style: chr1-28987664-G-A. GRCh37 (hg19) VCF-style: chr1-29314176-G-A.
Other names: c.227G>A, p.Ser76Asn (NM_001166005.2, NM_001166006.2, NM_001376014.1 and 8 more transcripts); c.-401G>A (NM_001166007.2, NM_001376022.1, NM_001376023.1 and 5 more transcripts); c.-481G>A (NM_004437.4, NM_203342.3); short protein forms S76N.
Identifiers: ClinVar variation 4694174 (VCV004694174.1).

ClinVar aggregate classification (germline): Uncertain significance (1 of 4 stars; one submission).

gnomAD v4.1: 2 of 1,614,234 alleles (0.00012%); highest among the groups gnomAD compares: Non-Finnish European, 0.00017%; no homozygotes.

Submission:

Labcorp Genetics (formerly Invitae), Labcorp
Classification: Uncertain significance. Last evaluated: 2025-03-20. Review status: criteria provided, single submitter. Criteria: Invitae Variant Classification Sherloc (09022015). Collection method: clinical testing. Allele origin: germline.
Comment: This variant occurs in a non-coding region of the EPB41 gene. It does not change the encoded amino acid sequence of the EPB41 protein. This variant is not present in population databases (gnomAD no frequency). This variant has not been reported in the literature in individuals affected with EPB41-related conditions. In summary, the available evidence is currently insufficient to determine the role of this variant in disease. Therefore, it has been classified as a Variant of Uncertain Significance.